The following is an entry in ClinVar:

NM_001453.3(FOXC1):c.886G>T (p.Ala296Ser)

Gene: FOXC1 (forkhead box C1; plus strand). Cytogenetic location: 6p25.3.
Variant type: single nucleotide variant.
Coding change: c.886G>T on transcript NM_001453.3 (MANE Select); coding-DNA position 886, G replaced by T.
Protein change: p.Ala296Ser; replaces alanine 296 with serine.
Molecular consequence: missense variant.
Genome position (GRCh38, 1-based): chr6:1,611,331, G>T. VCF-style: chr6-1611331-G-T. GRCh37 (hg19) VCF-style: chr6-1611566-G-T.
Other names: short protein forms A296S.
Identifiers: ClinVar variation 1381097 (VCV001381097.7), dbSNP rs1331057949, ClinGen allele CA362559778.

ClinVar aggregate classification (germline): Uncertain significance. Review status: criteria provided, multiple submitters, no conflicts (2 of 4 stars). 2 submissions from 2 submitters: Uncertain significance (2). Last evaluated 2023-07-17.

Conditions:
Axenfeld-Rieger syndrome type 3 (RIEG3). Also called: AXENFELD-RIEGER ANOMALY WITH CARDIAC DEFECTS AND/OR SENSORINEURAL HEARING LOSS. Identifiers: Orphanet 782, MedGen C2678503, MONDO:0011233, OMIM 602482.
Anterior segment dysgenesis 3 (ASGD3). Also called: IRIDOGONIODYSGENESIS ANOMALY, AUTOSOMAL DOMINANT; Glaucoma iridogoniodysplasia, familial. Identifiers: Orphanet 91483, MedGen C5975707, MONDO:0024456, OMIM 601631.

Allele frequency attached by ClinVar (database versions not stated): gnomAD 0.00001; TOPMed 0.00001.

Submissions (2):

Labcorp Genetics (formerly Invitae), Labcorp
Classification: Uncertain significance for Axenfeld-Rieger syndrome type 3. Last evaluated: 2023-07-17. Review status: criteria provided, single submitter. Criteria: Invitae Variant Classification Sherloc (09022015). Collection method: clinical testing. Allele origin: germline.
Comment: In summary, the available evidence is currently insufficient to determine the role of this variant in disease. Therefore, it has been classified as a Variant of Uncertain Significance. An algorithm developed to predict the effect of missense changes on protein structure and function (PolyPhen-2) suggests that this variant is likely to be tolerated. ClinVar contains an entry for this variant (Variation ID: 1381097). This variant has not been reported in the literature in individuals affected with FOXC1-related conditions. This variant is not present in population databases (gnomAD no frequency). This sequence change replaces alanine, which is neutral and non-polar, with serine, which is neutral and polar, at codon 296 of the FOXC1 protein (p.Ala296Ser).

Fulgent Genetics
Classification: Uncertain significance for Anterior segment dysgenesis 3; Axenfeld-Rieger syndrome type 3. Last evaluated: 2021-12-11. Review status: criteria provided, single submitter. Criteria: ACMG Guidelines, 2015. Collection method: clinical testing. Allele origin: unknown.